The following is an entry in ClinVar:

NM_016038.4(SBDS):c.98A>C (p.Lys33Thr)

Gene: SBDS (SBDS ribosome maturation factor; minus strand). Cytogenetic location: 7q11.21.
Variant type: single nucleotide variant.
Coding change: c.98A>C on transcript NM_016038.4 (MANE Select); coding-DNA position 98, A replaced by C.
Protein change: p.Lys33Thr; replaces lysine 33 with threonine.
Molecular consequence: missense variant.
Genome position (GRCh38, 1-based): chr7:66,995,320, T>G on the plus strand (A>C on the coding strand, the complement: SBDS is on the minus strand). VCF-style: chr7-66995320-T-G. GRCh37 (hg19) VCF-style: chr7-66460307-T-G.
Other names: c.98A>C (LRG_104t1); short protein forms K33T.
Identifiers: ClinVar variation 219289 (VCV000219289.5), dbSNP rs373730800, ClinGen allele CA350654.

ClinVar aggregate classification (germline): Pathogenic/Likely pathogenic. Review status: criteria provided, multiple submitters, no conflicts (2 of 4 stars). 3 submissions from 3 submitters: Pathogenic (1); Likely pathogenic (2). Last evaluated 2026-03-29.

Conditions:
Inborn genetic diseases. Identifiers: MedGen C0950123, MeSH D030342.
Shwachman-Diamond syndrome 1 (SDS1). Also called: LIPOMATOSIS OF PANCREAS, CONGENITAL. Identifiers: MedGen C4692625, MONDO:0044204, OMIM 260400.
Aplastic anemia. Identifiers: Orphanet 182040, Orphanet 88, MedGen C0002874, MONDO:0015909, OMIM 609135, HP:0001915.

Allele frequency attached by ClinVar (database versions not stated): TOPMed 0.00001.
gnomAD v4.1: 4 of 1,613,964 alleles (0.00025%); highest among the groups gnomAD compares: Non-Finnish European, 0.00034%; no homozygotes.

Submissions (3):

Ambry Genetics
Classification: Likely pathogenic for Inborn genetic diseases. Last evaluated: 2026-03-29. Review status: criteria provided, single submitter. Criteria: Ambry Variant Classification Scheme 2023. Collection method: clinical testing. Allele origin: germline.
Comment: The c.98A>C (p.K33T) alteration is located in exon 1 (coding exon 1) of the SBDS gene. This alteration results from a A to C substitution at nucleotide position 98, causing the lysine (K) at amino acid position 33 to be replaced by a threonine (T). Based on data from gnomAD, the C allele has an overall frequency of 0.006% (2/31398) total alleles studied. The highest observed frequency was 0.012% (1/8712) of African alleles. This amino acid position is highly conserved in available vertebrate species. This alteration is predicted to be deleterious by in silico analysis. Based on the available evidence, this alteration is classified as likely pathogenic.

Baylor Genetics
Classification: Likely pathogenic for Aplastic anemia. Last evaluated: 2024-03-16. Review status: criteria provided, single submitter. Criteria: ACMG Guidelines, 2015. Collection method: clinical testing. Allele origin: unknown.

Lupski Lab, Baylor-Hopkins CMG, Baylor College of Medicine
Classification: Pathogenic for Shwachman-Diamond syndrome 1. Last evaluated: 2014-06-01. Review status: criteria provided, single submitter. Criteria: Carvalho et al. (BMC Med Genet 2014). Collection method: research. Allele origin: maternal. Inheritance: Autosomal recessive inheritance. Affected: yes. Observed: 2 variant alleles, 2 compound heterozygotes. Clinical features observed: Recurrent infections, Short stature, Skeletal abnormalities.
Comment: Complementary DNA and western blotting analysis and locus specific PCR support the contention that the SV perturbed SBDS protein.